The following is an entry in ClinVar:

ClinVar aggregate classification (germline): Pathogenic (1 of 4 stars; one submission).

Conditions:
CHARGE syndrome (CHARGE). Also called: Coloboma, heart anomaly, choanal atresia, retardation, genital and ear anomalies; CHARGE association; Hall-Hittner syndrome; Hittner Hirsch Kreh syndrome; CHARGE ASSOCIATION--COLOBOMA, HEART ANOMALY, CHOANAL ATRESIA, RETARDATION, GENITAL AND EAR ANOMALIES. Identifiers: Orphanet 138, MedGen C0265354, MONDO:0008965.

Submission:

Labcorp Genetics (formerly Invitae), Labcorp
Classification: Pathogenic for CHARGE syndrome. Last evaluated: 2018-08-05. Review status: criteria provided, single submitter. Criteria: Invitae Variant Classification Sherloc (09022015). Collection method: clinical testing. Allele origin: germline.
Comment: This sequence change creates a premature translational stop signal (p.Leu1551Argfs*8) in the CHD7 gene. It is expected to result in an absent or disrupted protein product. This variant is not present in population databases (ExAC no frequency). This variant has not been reported in the literature in individuals with CHD7-related disease. Loss-of-function variants in CHD7 are known to be pathogenic (PMID: 22461308, 25077900). For these reasons, this variant has been classified as Pathogenic.

Literature cited by the submitters: PubMed 22461308; PubMed 25077900.

NM_017780.4(CHD7):c.4652del (p.Leu1551fs)

Gene: CHD7 (chromodomain helicase DNA binding protein 7; plus strand). Cytogenetic location: 8q12.2.
Variant type: Deletion.
Coding change: c.4652del on transcript NM_017780.4 (MANE Select); coding-DNA position 4652, one base deleted (T; older notation c.4652delT).
Protein change: p.Leu1551fs; shifts the reading frame from leucine 1551.
Molecular consequence: frameshift variant. On other transcripts: intron variant (1).
Genome position (GRCh38, 1-based): chr8:60,841,854, T deleted. VCF-style (leftmost placement, unchanged base first): chr8-60841853-CT-C. GRCh37 (hg19) VCF-style: chr8-61754412-CT-C.
Other names: c.1717-20375del (NM_001316690.1); short protein forms L1551fs.
Identifiers: ClinVar variation 658937 (VCV000658937.6), dbSNP rs1586426486, ClinGen allele CA915945699.
Genomic context (GRCh38, chr8:60,841,853, plus strand): 5'-AACCAAGAGCCACTCTTTGAGAAATGTCAAATGTATCTCCTCTTTTATTATTAGAACAAC[CT>C]GGTTATTGATACTCCAAGAGTGAGAAAGCAGACCAGGCTCTACAGTGCAGTGAAGGAAGA-3'